The following is an entry in ClinVar:

ClinVar aggregate classification (germline): Conflicting classifications of pathogenicity. Review status: criteria provided, conflicting classifications (1 of 4 stars). 4 submissions from 4 submitters: Uncertain significance (2); Likely benign (2). Last evaluated 2025-11-09.

Conditions:
Charcot-Marie-Tooth disease axonal type 2O. Also called: Charcot-Marie-Tooth disease, axonal, type 20; CHARCOT-MARIE-TOOTH NEUROPATHY, AXONAL, TYPE 2O; CHARCOT-MARIE-TOOTH DISEASE, AXONAL, AUTOSOMAL DOMINANT, TYPE 2O; Charcot-Marie-Tooth Neuropathy Type 2O. Identifiers: Orphanet 284232, MedGen C3280220, MONDO:0013644, OMIM 614228.
DYNC1H1-related disorder. Also called: DYNC1H1-related disorders; DYNC1H1-related condition. Identifiers: MedGen CN381529.

Allele frequency attached by ClinVar (database versions not stated): 1000 Genomes Project below 0.00001; gnomAD exomes 0.00001 and 0.00004; gnomAD 0.00003 and 0.00004; ExAC 0.00004; TOPMed 0.00005.
gnomAD v4.1: 13 of 1,614,122 alleles (0.00081%); highest among the groups gnomAD compares: Middle Eastern, 0.016%; no homozygotes.

Submissions (4):

Labcorp Genetics (formerly Invitae), Labcorp
Classification: Likely benign for Charcot-Marie-Tooth disease axonal type 2O. Last evaluated: 2025-11-09. Review status: criteria provided, single submitter. Criteria: Invitae Variant Classification Sherloc (09022015). Collection method: clinical testing. Allele origin: germline.

PreventionGenetics, part of Exact Sciences
Classification: Uncertain significance for DYNC1H1-related condition. Last evaluated: 2025-01-27. Review status: criteria provided, single submitter. Criteria: ACMG Guidelines, 2015. Collection method: clinical testing. Allele origin: germline.
Comment: The DYNC1H1 c.4484A>G variant is predicted to result in the amino acid substitution p.Asn1495Ser. This variant was reported in an individual with axonal Charcot-Marie-Tooth disease (Supplementary Table 2 in Uchôa Cavalcanti et al. 2021. PubMed ID: 34190362). This variant is reported in 0.017% of alleles in individuals of Latino descent in gnomAD which may be too frequent for a disease-causing variant. Although we suspect that this variant may be benign, at this time, the clinical significance of this variant is uncertain due to the absence of conclusive functional and genetic evidence.

CeGaT Center for Human Genetics Tuebingen
Classification: Likely benign. Last evaluated: 2023-03-01. Review status: criteria provided, single submitter. Criteria: CeGaT Center For Human Genetics Tuebingen Variant Classification Criteria Version 2. Collection method: clinical testing. Allele origin: germline. Affected: yes. Observed: 2 variant alleles.
Comment: DYNC1H1: PP2, BS1

ARUP Laboratories, Molecular Genetics and Genomics, ARUP Laboratories
Classification: Uncertain significance. Last evaluated: 2017-01-16. Review status: criteria provided, single submitter. Criteria: ARUP Molecular Germline Variant Investigation Process. Collection method: clinical testing. Allele origin: germline.

NM_001376.5(DYNC1H1):c.4484A>G (p.Asn1495Ser)

Gene: DYNC1H1 (dynein cytoplasmic 1 heavy chain 1; plus strand). Cytogenetic location: 14q32.31.
Variant type: single nucleotide variant.
Coding change: c.4484A>G on transcript NM_001376.5 (MANE Select); coding-DNA position 4484, A replaced by G.
Protein change: p.Asn1495Ser; replaces asparagine 1495 with serine.
Molecular consequence: missense variant.
Genome position (GRCh38, 1-based): chr14:102,001,623, A>G. VCF-style: chr14-102001623-A-G. GRCh37 (hg19) VCF-style: chr14-102467960-A-G.
Other names: c.4484A>G (NM_001376.4); short protein forms N1495S.
Identifiers: ClinVar variation 439625 (VCV000439625.49), dbSNP rs566164007, ClinGen allele CA7352241.